The following is an entry in ClinVar:

ClinVar aggregate classification (germline): Uncertain significance (1 of 4 stars; one submission).

Allele frequency attached by ClinVar (database versions not stated): gnomAD exomes below 0.00001; gnomAD 0.00001.
gnomAD v4.1: 6 of 1,614,016 alleles (0.00037%); highest among the groups gnomAD compares: African/African-American, 0.0013%; no homozygotes.

Submission:

Labcorp Genetics (formerly Invitae), Labcorp
Classification: Uncertain significance. Last evaluated: 2021-08-27. Review status: criteria provided, single submitter. Criteria: Invitae Variant Classification Sherloc (09022015). Collection method: clinical testing. Allele origin: germline.
Comment: This sequence change replaces aspartic acid with glycine at codon 258 of the ELP1 protein (p.Asp258Gly). The aspartic acid residue is weakly conserved and there is a moderate physicochemical difference between aspartic acid and glycine. This variant is not present in population databases (ExAC no frequency). This variant has not been reported in the literature in individuals affected with ELP1-related conditions. Algorithms developed to predict the effect of missense changes on protein structure and function (SIFT, PolyPhen-2, Align-GVGD) all suggest that this variant is likely to be tolerated. Algorithms developed to predict the effect of sequence changes on RNA splicing suggest that this variant may create or strengthen a splice site. In summary, the available evidence is currently insufficient to determine the role of this variant in disease. Therefore, it has been classified as a Variant of Uncertain Significance.

NM_003640.5(ELP1):c.773A>G (p.Asp258Gly)

Gene: ELP1 (elongator acetyltransferase complex subunit 1; minus strand). Cytogenetic location: 9q31.3.
Variant type: single nucleotide variant.
Coding change: c.773A>G on transcript NM_003640.5 (MANE Select); coding-DNA position 773, A replaced by G.
Protein change: p.Asp258Gly; replaces aspartic acid 258 with glycine.
Molecular consequence: missense variant. On other transcripts: 5 prime UTR variant (1).
Genome position (GRCh38, 1-based): chr9:108,917,638, T>C on the plus strand (A>G on the coding strand, the complement: ELP1 is on the minus strand). VCF-style: chr9-108917638-T-C. GRCh37 (hg19) VCF-style: chr9-111679918-T-C.
Other names: c.431A>G, p.Asp144Gly (NM_001318360.2); c.-275A>G (NM_001330749.2); short protein forms D258G, D144G.
Identifiers: ClinVar variation 1413514 (VCV001413514.3), dbSNP rs1206581781, ClinGen allele CA374386420.
Genomic context (GRCh38, chr9:108,917,638, plus strand): 5'-AAGTGTCCATGAAGGAGTCCATTTTTCTCAAAAAACACAATATCCTGCTGGTTGGGTTTA[T>C]CTTGTGTAGATGCAATCAAACTGCCTGAGGGTCTTAAAGCAAACTCAGAGTGTTACAATA-3'
Protein context (NP_003631.2, residues 248-268): PSGSLIASTQ[Asp258Gly]KPNQQDIVFF